The following is an entry in ClinVar:

NM_001323289.2(CDKL5):c.877_881dup (p.His294fs)

Gene: CDKL5 (cyclin dependent kinase like 5; plus strand). Cytogenetic location: Xp22.13.
Variant type: Duplication.
Coding change: c.877_881dup on transcript NM_001323289.2 (MANE Select); coding-DNA positions 877 to 881, 5 bases duplicated (AATCA; older notation c.877_881dupAATCA).
Protein change: p.His294fs; shifts the reading frame from histidine 294.
Molecular consequence: frameshift variant.
Genome position (GRCh38, 1-based): chrX:18,598,513-18,598,517, AATCA duplicated. VCF-style (leftmost placement, unchanged base first): chrX-18598512-G-GAATCA. GRCh37 (hg19) VCF-style: chrX-18616632-G-GAATCA.
Other names: c.877_881dup, p.His294fs (NM_001037343.2, NM_003159.3); short protein forms H294fs.
Identifiers: ClinVar variation 845526 (VCV000845526.3), dbSNP rs1926080344, ClinGen allele CA916083841.

ClinVar aggregate classification (germline): Pathogenic (1 of 4 stars; one submission).

Conditions:
Developmental and epileptic encephalopathy, 2 (DEE2). Also called: INFANTILE SPASM SYNDROME, X-LINKED 2; CDKL5 deficiency disorder. Identifiers: Orphanet 1934, Orphanet 3451, Orphanet 505652, MedGen C4750718, MONDO:0010396, OMIM 300672.
Angelman syndrome-like. Identifiers: MedGen CN128785.

Submission:

Labcorp Genetics (formerly Invitae), Labcorp
Classification: Pathogenic for Developmental and epileptic encephalopathy, 2; Angelman syndrome-like. Last evaluated: 2019-01-04. Review status: criteria provided, single submitter. Criteria: Invitae Variant Classification Sherloc (09022015). Collection method: clinical testing. Allele origin: germline.
Comment: This sequence change creates a premature translational stop signal (p.His294Glnfs*58) in the CDKL5 gene. It is expected to result in an absent or disrupted protein product. This variant is not present in population databases (ExAC no frequency). This variant has not been reported in the literature in individuals with CDKL5-related conditions. Loss-of-function variants in CDKL5 are known to be pathogenic (PMID: 22872100). For these reasons, this variant has been classified as Pathogenic.

Literature cited by the submitters: PubMed 22872100.